The following is an entry in ClinVar:

ClinVar aggregate classification (germline): Uncertain significance (1 of 4 stars; one submission).

Conditions:
Mitochondrial DNA depletion syndrome 13. Also called: FBXL4-Related Encephalomyopathic Mitochondrial DNA Depletion Syndrome; Mitochondrial DNA depletion syndrome 13 (encephalomyopathic type). Identifiers: Orphanet 369897, MedGen C3809592, MONDO:0014198, OMIM 615471.

Allele frequency attached by ClinVar (database versions not stated): gnomAD exomes 0.00001 and 0.00002; TOPMed 0.00001; ExAC 0.00002; gnomAD 0.00002; ESP Exome Variant Server 0.00008.
gnomAD v4.1: 11 of 1,613,882 alleles (0.00068%); highest among the groups gnomAD compares: East Asian, 0.0022%; no homozygotes.

Submission:

Wong Mito Lab, Molecular and Human Genetics, Baylor College of Medicine
Classification: Uncertain significance for Mitochondrial DNA depletion syndrome 13. Last evaluated: 2017-08-10. Review status: criteria provided, single submitter. Criteria: ACMG Guidelines, 2015. Collection method: reference population. Allele origin: germline.
Comment: The NM_012160.4:c.1260C>T (NP_036292.2:p.Asn420=) [GRCH38: NC_000006.12:g.98899325G>A] variant in FBXL4 gene is interpretated to be a Uncertain Significance - Conflicting Evidence based on ACMG guidelines (PMID: 25741868). This variant meets one or more of the following evidence codes reported in the ACMG-guideline. PM2:This variant is absent in key population databases. BP4:Computational evidence/predictors indicate no impact on the FBXL4 structure, function, or protein-protein interaction. BP7:The variant is silent with non predicted splice impact. Based on this evidence code ClinGen Pathogenicity Calculator (PMID:28081714) suggested that the variant is Uncertain Significance - Conflicting Evidence.

NM_001278716.2(FBXL4):c.1260C>T (p.Asn420=)

Gene: FBXL4 (F-box and leucine rich repeat protein 4; minus strand). Cytogenetic location: 6q16.1.
Variant type: single nucleotide variant.
Coding change: c.1260C>T on transcript NM_001278716.2 (MANE Select); coding-DNA position 1260, C replaced by T.
Protein change: p.Asn420=; no amino-acid change (asparagine 420 retained).
Molecular consequence: synonymous variant. On other transcripts: non-coding transcript variant (2).
Genome position (GRCh38, 1-based): chr6:98,899,325, G>A on the plus strand (C>T on the coding strand, the complement: FBXL4 is on the minus strand). VCF-style: chr6-98899325-G-A. GRCh37 (hg19) VCF-style: chr6-99347201-G-A.
Other names: c.1260C>T, p.Asn420= (NM_012160.5).
Identifiers: ClinVar variation 437722 (VCV000437722.1), dbSNP rs371347504, ClinGen allele CA3933493.